The following is an entry in ClinVar:

NM_016379.4(VCX3A):c.418G>A (p.Val140Met)

Genes: VCX3A (variable charge X-linked 3A; minus strand), LOC106029240 (S232-VCX3A recombination region; plus strand). Cytogenetic location: Xp22.31.
Variant type: single nucleotide variant.
Coding change: c.418G>A on transcript NM_016379.4 (MANE Select); coding-DNA position 418, G replaced by A.
Protein change: p.Val140Met; replaces valine 140 with methionine.
Molecular consequence: missense variant.
Genome position (GRCh38, 1-based): chrX:6,533,888, C>T on the plus strand (G>A on the coding strand, the complement: VCX3A is on the minus strand). VCF-style: chrX-6533888-C-T. GRCh37 (hg19) VCF-style: chrX-6451929-C-T.
Other names: short protein forms V140M.
Identifiers: ClinVar variation 218736 (VCV000218736.5), dbSNP rs72609545, ClinGen allele CA249129.

ClinVar aggregate classification (germline): Benign. Review status: criteria provided, multiple submitters, no conflicts (2 of 4 stars). 3 submissions from 3 submitters: Benign (3). Last evaluated 2016-03-29.

Allele frequency attached by ClinVar (database versions not stated): gnomAD exomes 0.04317; 1000 Genomes Project 0.54119.

Submissions (3):

Laboratory for Molecular Medicine, Mass General Brigham Personalized Medicine
Classification: Benign. Last evaluated: 2016-03-29. Review status: criteria provided, single submitter. Criteria: LMM Criteria. Collection method: clinical testing. Allele origin: germline.
Comment: Variant identified in a genome or exome case(s) and assessed due to predicted null impact of the variant or pathogenic assertions in the literature or databases. Disclaimer: This variant has not undergone full assessment. The following are preliminary notes: Frequency

Genomic Diagnostic Laboratory, Division of Genomic Diagnostics, Children's Hospital of Philadelphia
Classification: Benign. Last evaluated: 2015-03-06. Review status: criteria provided, single submitter. Criteria: DGD Variant Analysis Guidelines. Collection method: clinical testing. Allele origin: unknown.

Breakthrough Genomics
Classification: Benign. Review status: criteria provided, single submitter. Criteria: ACMG Guidelines, 2015. Collection method: not provided. Allele origin: germline. Inheritance: Unknown mechanism. Affected: yes.